The following is an entry in ClinVar:

ClinVar aggregate classification (germline): Conflicting classifications of pathogenicity. Review status: criteria provided, conflicting classifications (1 of 4 stars). 2 submissions from 2 submitters: Uncertain significance (1); Likely benign (1). Last evaluated 2026-01-02.

Conditions:
Inborn genetic diseases. Identifiers: MedGen C0950123, MeSH D030342.

Allele frequency attached by ClinVar (database versions not stated): gnomAD 0.00015; 1000 Genomes Project 0.00020; TOPMed 0.00015; ESP Exome Variant Server 0.00031; ExAC 0.00034; 1000 Genomes Project 30x 0.00016; gnomAD exomes 0.00017.
gnomAD v4.1: 266 of 1,607,088 alleles (0.017%); highest among the groups gnomAD compares: Non-Finnish European, 0.021%; no homozygotes.

Submissions (2):

Dasa
Classification: Uncertain significance. Last evaluated: 2026-01-02. Review status: criteria provided, single submitter. Criteria: DASA Assertion Criteria. Collection method: clinical testing. Allele origin: germline.
Comment: NM_006421.5(ARFGEF1):c.4067A>G (p.Asp1356Gly) is a missense variant that results in the substitution of aspartic acid with glycine. This variant is rare in population databases. The currently available literature and clinical evidence are not sufficient to establish a definitive association between this variant and the reported condition. Therefore, this variant is classified as a variant of uncertain significance.

Ambry Genetics
Classification: Likely benign for Inborn genetic diseases. Last evaluated: 2024-12-28. Review status: criteria provided, single submitter. Criteria: Ambry Variant Classification Scheme 2023. Collection method: clinical testing. Allele origin: germline.

NM_006421.5(ARFGEF1):c.4067A>G (p.Asp1356Gly)

Gene: ARFGEF1 (ARF guanine nucleotide exchange factor 1; minus strand). Cytogenetic location: 8q13.2.
Variant type: single nucleotide variant.
Coding change: c.4067A>G on transcript NM_006421.5 (MANE Select); coding-DNA position 4067, A replaced by G.
Protein change: p.Asp1356Gly; replaces aspartic acid 1356 with glycine.
Molecular consequence: missense variant.
Genome position (GRCh38, 1-based): chr8:67,226,033, T>C on the plus strand (A>G on the coding strand, the complement: ARFGEF1 is on the minus strand). VCF-style: chr8-67226033-T-C. GRCh37 (hg19) VCF-style: chr8-68138268-T-C.
Other names: c.4067A>G, p.Asp1356Gly (NM_001413184.1, NM_001413185.1, NM_001413186.1 and 5 more transcripts); c.3467A>G, p.Asp1156Gly (NM_001413188.1, NM_001413193.1, NM_001413197.1); c.4061A>G, p.Asp1354Gly (NM_001413190.1); c.2642A>G, p.Asp881Gly (NM_001413196.1); short protein forms D1156G, D1356G, D1354G, D881G.
Identifiers: ClinVar variation 2380813 (VCV002380813.5), dbSNP rs199775958, ClinGen allele CA4771685.